The following is an entry in ClinVar:

ClinVar aggregate classification (germline): Uncertain significance (1 of 4 stars; one submission).

Submission:

Labcorp Genetics (formerly Invitae), Labcorp
Classification: Uncertain significance. Last evaluated: 2022-06-04. Review status: criteria provided, single submitter. Criteria: Invitae Variant Classification Sherloc (09022015). Collection method: clinical testing. Allele origin: germline.
Comment: In summary, the available evidence is currently insufficient to determine the role of this variant in disease. Therefore, it has been classified as a Variant of Uncertain Significance. Experimental studies and prediction algorithms are not available or were not evaluated, and the functional significance of this variant is currently unknown. This variant has not been reported in the literature in individuals affected with MAGEL2-related conditions. This variant is not present in population databases (gnomAD no frequency). This sequence change replaces alanine, which is neutral and non-polar, with threonine, which is neutral and polar, at codon 15 of the MAGEL2 protein (p.Ala15Thr).

NM_019066.5(MAGEL2):c.43G>A (p.Ala15Thr)

Gene: MAGEL2 (MAGE family member L2; minus strand). Cytogenetic location: 15q11.2.
Variant type: single nucleotide variant.
Coding change: c.43G>A on transcript NM_019066.5 (MANE Select); coding-DNA position 43, G replaced by A.
Protein change: p.Ala15Thr; replaces alanine 15 with threonine.
Molecular consequence: missense variant.
Genome position (GRCh38, 1-based): chr15:23,647,700, C>T on the plus strand (G>A on the coding strand, the complement: MAGEL2 is on the minus strand). VCF-style: chr15-23647700-C-T. GRCh37 (hg19) VCF-style: chr15-23892847-C-T.
Other names: short protein forms A15T.
Identifiers: ClinVar variation 2066779 (VCV002066779.4), dbSNP rs2503985774, ClinGen allele CA391338035.